The following is an entry in ClinVar:

NM_174934.4(SCN4B):c.594-2A>G

Gene: SCN4B (sodium voltage-gated channel beta subunit 4; minus strand). Cytogenetic location: 11q23.3.
Variant type: single nucleotide variant.
Coding change: c.594-2A>G on transcript NM_174934.4 (MANE Select); the canonical splice acceptor site of the intron before coding-DNA position 594, A replaced by G.
Molecular consequence: splice acceptor variant.
Genome position (GRCh38, 1-based): chr11:118,137,122, T>C on the plus strand (A>G on the coding strand, the complement: SCN4B is on the minus strand). VCF-style: chr11-118137122-T-C. GRCh37 (hg19) VCF-style: chr11-118007837-T-C.
Other names: c.192-2A>G (NM_001142348.2); c.264-2A>G (NM_001142349.2).
Identifiers: ClinVar variation 264183 (VCV000264183.13), dbSNP rs375535030, ClinGen allele CA6300142.

ClinVar aggregate classification (germline): Uncertain significance. Review status: criteria provided, multiple submitters, no conflicts (2 of 4 stars). 4 submissions from 4 submitters: Uncertain significance (4). Last evaluated 2025-01-27.

Conditions:
Cardiovascular phenotype. Identifiers: MedGen CN230736.
Long QT syndrome 10 (LQT10). Identifiers: Orphanet 101016, Orphanet 768, MedGen C2678484, MONDO:0012737, OMIM 611819.

Allele frequency attached by ClinVar (database versions not stated): ExAC 0.00002; gnomAD 0.00002; gnomAD exomes 0.00002 and 0.00003; TOPMed 0.00003; ESP Exome Variant Server 0.00008.
gnomAD v4.1: 48 of 1,608,558 alleles (0.003%); highest among the groups gnomAD compares: Non-Finnish European, 0.0038%; no homozygotes.

Submissions (4):

Ambry Genetics
Classification: Uncertain significance for Cardiovascular phenotype. Last evaluated: 2025-01-27. Review status: criteria provided, single submitter. Criteria: Ambry Variant Classification Scheme 2023. Collection method: clinical testing. Allele origin: germline.
Comment: The c.594-2A>G intronic variant results from an A to G substitution two nucleotides upstream from coding exon 5 in the SCN4B gene. This nucleotide position is highly conserved in available vertebrate species. In silico splice site analysis predicts that this alteration will weaken the native splice acceptor site. Alterations that disrupt the canonical splice site are expected to cause aberrant splicing, resulting in an abnormal protein or a transcript that is subject to nonsense-mediated mRNA decay. However, the evidence for this gene-disease relationship is limited; therefore, the clinical significance of this alteration is unclear.

Labcorp Genetics (formerly Invitae), Labcorp
Classification: Uncertain significance for Long QT syndrome 10. Last evaluated: 2024-04-01. Review status: criteria provided, single submitter. Criteria: Invitae Variant Classification Sherloc (09022015). Collection method: clinical testing. Allele origin: germline.
Comment: This sequence change falls in intron 4 of the SCN4B gene. It does not directly change the encoded amino acid sequence of the SCN4B protein. It affects a nucleotide within the consensus splice site. This variant is present in population databases (rs375535030, gnomAD 0.004%). This variant has not been reported in the literature in individuals affected with SCN4B-related conditions. ClinVar contains an entry for this variant (Variation ID: 264183). Variants that disrupt the consensus splice site are a relatively common cause of aberrant splicing (PMID: 17576681, 9536098). Algorithms developed to predict the effect of sequence changes on RNA splicing suggest that this variant may disrupt the consensus splice site. In summary, the available evidence is currently insufficient to determine the role of this variant in disease. Therefore, it has been classified as a Variant of Uncertain Significance.

Women's Health and Genetics/Laboratory Corporation of America, LabCorp
Classification: Uncertain significance. Last evaluated: 2023-04-04. Review status: criteria provided, single submitter. Criteria: LabCorp Variant Classification Summary - May 2015. Collection method: clinical testing. Allele origin: germline.
Comment: Variant summary: SCN4B c.594-2A>G is located in a canonical splice-site and is predicted to affect mRNA splicing resulting in a significantly altered protein due to either exon skipping, shortening, or inclusion of intronic material. Several computational tools predict a significant impact on normal splicing: Four predict the variant abolishes the canonical 3' acceptor site. However, these predictions have yet to be confirmed by functional studies. The variant allele was found at a frequency of 2.4e-05 in 251254 control chromosomes (gnomAD). The available data on variant occurrences in the general population are insufficient to allow any conclusion about variant significance. To our knowledge, no occurrence of c.594-2A>G in individuals affected with Arrhythmia and no experimental evidence demonstrating its impact on protein function have been reported. Three clinical diagnostic laboratories have submitted clinical-significance assessments for this variant to ClinVar after 2014 and all classified the variant as uncertain significance. Based on the evidence outlined above, the variant was classified as uncertain significance.

GeneDx
Classification: Uncertain significance. Last evaluated: 2018-10-19. Review status: criteria provided, single submitter. Criteria: GeneDx Variant Classification (06012015). Collection method: clinical testing. Allele origin: germline. Affected: yes.
Comment: The c.594-2 A>G variant has not beenpublished as pathogenic or been reported as benign to our knowledge. Thec.594-2 A>G variant is not observed at a significant frequency in large population cohorts (Lek et al., 2016; 1000Genomes Consortium et al., 2015; Exome Variant Server). Although this variant is a canonical splice site variant atnucleotide position conserved across species, loss-of-function is not an established mechanism of disease for theSCN4B gene.

Literature cited by the submitters: PubMed 17576681 (cited by Labcorp Genetics (formerly Invitae), Labcorp); PubMed 9536098 (cited by Labcorp Genetics (formerly Invitae), Labcorp).